The following is an entry in ClinVar:

ClinVar aggregate classification (germline): Uncertain significance (1 of 4 stars; one submission).

Submission:

Labcorp Genetics (formerly Invitae), Labcorp
Classification: Uncertain significance. Last evaluated: 2021-01-09. Review status: criteria provided, single submitter. Criteria: Invitae Variant Classification Sherloc (09022015). Collection method: clinical testing. Allele origin: germline.
Comment: This sequence change replaces glycine with aspartic acid at codon 696 of the SLITRK6 protein (p.Gly696Asp). The glycine residue is weakly conserved and there is a moderate physicochemical difference between glycine and aspartic acid. This variant is not present in population databases (ExAC no frequency). In summary, the available evidence is currently insufficient to determine the role of this variant in disease. Therefore, it has been classified as a Variant of Uncertain Significance. Algorithms developed to predict the effect of missense changes on protein structure and function (SIFT, PolyPhen-2, Align-GVGD) all suggest that this variant is likely to be tolerated, but these predictions have not been confirmed by published functional studies and their clinical significance is uncertain. This variant has not been reported in the literature in individuals with SLITRK6-related conditions.

NM_032229.3(SLITRK6):c.2087G>A (p.Gly696Asp)

Gene: SLITRK6 (SLIT and NTRK like family member 6; minus strand). Cytogenetic location: 13q31.1.
Variant type: single nucleotide variant.
Coding change: c.2087G>A on transcript NM_032229.3 (MANE Select); coding-DNA position 2087, G replaced by A.
Protein change: p.Gly696Asp; replaces glycine 696 with aspartic acid.
Molecular consequence: missense variant.
Genome position (GRCh38, 1-based): chr13:85,794,422, C>T on the plus strand (G>A on the coding strand, the complement: SLITRK6 is on the minus strand). VCF-style: chr13-85794422-C-T. GRCh37 (hg19) VCF-style: chr13-86368557-C-T.
Other names: short protein forms G696D.
Identifiers: ClinVar variation 1363816 (VCV001363816.8), dbSNP rs890410849, ClinGen allele CA388372947.